The following is an entry in ClinVar:

NM_001128178.3(NPHP1):c.1807G>C (p.Asp603His)

Gene: NPHP1 (nephrocystin 1; minus strand). Cytogenetic location: 2q13.
Variant type: single nucleotide variant.
Coding change: c.1807G>C on transcript NM_001128178.3 (MANE Select); coding-DNA position 1807, G replaced by C.
Protein change: p.Asp603His; replaces aspartic acid 603 with histidine.
Molecular consequence: missense variant. On other transcripts: 3 prime UTR variant (1).
Genome position (GRCh38, 1-based): chr2:110,124,018, C>G on the plus strand (G>C on the coding strand, the complement: NPHP1 is on the minus strand). VCF-style: chr2-110124018-C-G. GRCh37 (hg19) VCF-style: chr2-110881595-C-G.
Other names: c.1975G>C (NM_000272.3); c.1975G>C, p.Asp659His (NM_000272.5); c.1618G>C, p.Asp540His (NM_001128179.3); c.1804G>C, p.Asp602His (NM_001374256.1); c.*49G>C (NM_001374257.1); c.1972G>C, p.Asp658His (NM_207181.4); short protein forms D658H, D540H, D602H, D659H, D603H.
Identifiers: ClinVar variation 1360098 (VCV001360098.9), dbSNP rs745639828, ClinGen allele CA348086284.

ClinVar aggregate classification (germline): Uncertain significance. Review status: criteria provided, multiple submitters, no conflicts (2 of 4 stars). 2 submissions from 2 submitters: Uncertain significance (2). Last evaluated 2025-05-16.

Conditions:
Inborn genetic diseases. Identifiers: MedGen C0950123, MeSH D030342.
Nephronophthisis. Also called: Juvenile Nephronophthisis. Identifiers: Orphanet 655, MedGen C0687120, MONDO:0019005, HP:0000090.

gnomAD v4.1: 1 of 1,614,118 alleles (0.000062%); highest among the groups gnomAD compares: Non-Finnish European, 0.000085%; no homozygotes.

Submissions (2):

Ambry Genetics
Classification: Uncertain significance for Inborn genetic diseases. Last evaluated: 2025-05-16. Review status: criteria provided, single submitter. Criteria: Ambry Variant Classification Scheme 2023. Collection method: clinical testing. Allele origin: germline.

Labcorp Genetics (formerly Invitae), Labcorp
Classification: Uncertain significance for Nephronophthisis. Last evaluated: 2021-05-03. Review status: criteria provided, single submitter. Criteria: Invitae Variant Classification Sherloc (09022015). Collection method: clinical testing. Allele origin: germline.
Comment: In summary, the available evidence is currently insufficient to determine the role of this variant in disease. Therefore, it has been classified as a Variant of Uncertain Significance. Algorithms developed to predict the effect of missense changes on protein structure and function are either unavailable or do not agree on the potential impact of this missense change (SIFT: "Tolerated"; PolyPhen-2: "Probably Damaging"; Align-GVGD: "Class C0"). This variant has not been reported in the literature in individuals with NPHP1-related conditions. This variant is not present in population databases (ExAC no frequency). This sequence change replaces aspartic acid with histidine at codon 659 of the NPHP1 protein (p.Asp659His). The aspartic acid residue is moderately conserved and there is a moderate physicochemical difference between aspartic acid and histidine.